The following is an entry in ClinVar:

NM_001134831.2(AHI1):c.2961+2T>G

Gene: AHI1 (Abelson helper integration site 1; minus strand). Cytogenetic location: 6q23.3.
Variant type: single nucleotide variant.
Coding change: c.2961+2T>G on transcript NM_001134831.2 (MANE Select); the canonical splice donor site of the intron after coding-DNA position 2961, T replaced by G.
Molecular consequence: splice donor variant.
Genome position (GRCh38, 1-based): chr6:135,411,346, A>C on the plus strand (T>G on the coding strand, the complement: AHI1 is on the minus strand). VCF-style: chr6-135411346-A-C. GRCh37 (hg19) VCF-style: chr6-135732484-A-C.
Other names: c.2961+2T>G (NM_001134830.2, NM_001350503.2, NM_017651.5 and 2 more transcripts).
Identifiers: ClinVar variation 1491279 (VCV001491279.9), dbSNP rs2127973751, ClinGen allele CA365845760.
Genomic context (GRCh38, chr6:135,411,346, plus strand): 5'-CATGGCAATGTAAAACAGGATAGAAATAGTTTTAAAGTTTCAACTGCATAAAATAAACTT[A>C]CTGTGACAGTTTCAAGCCTCTGTTTTACTAGCTGCATCTTCGTTGAAGAACTTTCAGTGT-3'

ClinVar aggregate classification (germline): Likely pathogenic. Review status: criteria provided, multiple submitters, no conflicts (2 of 4 stars). 2 submissions from 2 submitters: Likely pathogenic (2). Last evaluated 2026-07-21.

Conditions:
Joubert syndrome 3 (JBTS3). Also called: AHI1-related Ciliopathy. Identifiers: Orphanet 220493, MedGen C1837713, MONDO:0012078, OMIM 608629.
Joubert syndrome. Also called: Familial aplasia of the vermis; JOUBERT-BOLTSHAUSER SYNDROME. Identifiers: Orphanet 475, MedGen C5979921, MONDO:0018772.

Submissions (2):

Myriad Genetics, Inc.
Classification: Likely pathogenic for Joubert syndrome 3. Last evaluated: 2026-07-21. Review status: criteria provided, single submitter. Criteria: Myriad Autosomal Dominant, Autosomal Recessive and X-Linked Classification Criteria (2023). Collection method: clinical testing. Allele origin: unknown.
Comment: NM_001134831.1(AHI1):c.2961+2T>G is a variant in a canonical splice site classified as likely pathogenic in the context of Joubert syndrome, AHI1-related. c.2961+2T>G has not been observed in cases with relevant disease. Relevant functional assessments of this variant are not available in the literature. c.2961+2T>G has not been observed in referenced population frequency databases. In summary, NM_001134831.1(AHI1):c.2961+2T>G is a variant in a canonical splice site in a gene where loss of function is a known mechanism of disease and is predicted to disrupt protein function. Please note: this variant was assessed in the context of healthy population screening.

Labcorp Genetics (formerly Invitae), Labcorp
Classification: Likely pathogenic for Joubert syndrome. Last evaluated: 2021-03-27. Review status: criteria provided, single submitter. Criteria: Invitae Variant Classification Sherloc (09022015). Collection method: clinical testing. Allele origin: germline.
Comment: This sequence change affects a donor splice site in intron 20 of the AHI1 gene. It is expected to disrupt RNA splicing. Variants that disrupt the donor or acceptor splice site typically lead to a loss of protein function (PMID: 16199547), and loss-of-function variants in AHI1 are known to be pathogenic (PMID: 15322546, 16453322, 28442542, 29186038). This variant is not present in population databases (ExAC no frequency). This variant has not been reported in the literature in individuals with AHI1-related conditions. Algorithms developed to predict the effect of sequence changes on RNA splicing suggest that this variant may disrupt the consensus splice site, but this prediction has not been confirmed by published transcriptional studies. In summary, the currently available evidence indicates that the variant is pathogenic, but additional data are needed to prove that conclusively. Therefore, this variant has been classified as Likely Pathogenic.

Literature cited by the submitters: PubMed 16199547 (cited by Labcorp Genetics (formerly Invitae), Labcorp); PubMed 15322546 (cited by Labcorp Genetics (formerly Invitae), Labcorp); PubMed 16453322 (cited by Labcorp Genetics (formerly Invitae), Labcorp); PubMed 28442542 (cited by Labcorp Genetics (formerly Invitae), Labcorp); PubMed 29186038 (cited by Labcorp Genetics (formerly Invitae), Labcorp).